The following is an entry in ClinVar:

NM_001005242.3(PKP2):c.1055C>G (p.Thr352Ser)

Gene: PKP2 (plakophilin 2; minus strand). Cytogenetic location: 12p11.21.
Variant type: single nucleotide variant.
Coding change: c.1055C>G on transcript NM_001005242.3 (MANE Select); coding-DNA position 1055, C replaced by G.
Protein change: p.Thr352Ser; replaces threonine 352 with serine.
Molecular consequence: missense variant.
Genome position (GRCh38, 1-based): chr12:32,869,042, G>C on the plus strand (C>G on the coding strand, the complement: PKP2 is on the minus strand). VCF-style: chr12-32869042-G-C. GRCh37 (hg19) VCF-style: chr12-33021976-G-C.
Other names: c.1055C>G, p.Thr352Ser (NM_001407155.1, NM_001407156.1, NM_001407157.1 and 2 more transcripts); c.728C>G, p.Thr243Ser (NM_001407158.1, NM_001407159.1, NM_001407160.1 and 1 more transcripts); short protein forms T243S, T352S.
Identifiers: ClinVar variation 3933310 (VCV003933310.1).

ClinVar aggregate classification (germline): Uncertain significance (1 of 4 stars; one submission).

Conditions:
Cardiovascular phenotype. Identifiers: MedGen CN230736.

Submission:

Ambry Genetics
Classification: Uncertain significance for Cardiovascular phenotype. Last evaluated: 2025-03-23. Review status: criteria provided, single submitter. Criteria: Ambry Variant Classification Scheme 2023. Collection method: clinical testing. Allele origin: germline.
Comment: The p.T352S variant (also known as c.1055C>G), located in coding exon 4 of the PKP2 gene, results from a C to G substitution at nucleotide position 1055. The threonine at codon 352 is replaced by serine, an amino acid with similar properties. This amino acid position is conserved. In addition, this alteration is predicted to be tolerated by in silico analysis. Based on the available evidence, the clinical significance of this variant remains unclear.